The following is an entry in ClinVar:

NM_001363118.2(SLC52A2):c.317C>T (p.Ala106Val)

Gene: SLC52A2 (solute carrier family 52 member 2; plus strand). Cytogenetic location: 8q24.3.
Variant type: single nucleotide variant.
Coding change: c.317C>T on transcript NM_001363118.2 (MANE Select); coding-DNA position 317, C replaced by T.
Protein change: p.Ala106Val; replaces alanine 106 with valine.
Molecular consequence: missense variant. On other transcripts: non-coding transcript variant (1), intron variant (1).
Genome position (GRCh38, 1-based): chr8:144,359,809, C>T. VCF-style: chr8-144359809-C-T. GRCh37 (hg19) VCF-style: chr8-145583469-C-T.
Other names: c.317C>T, p.Ala106Val (NM_001253815.2, NM_001253816.2, NM_001363120.2 and 2 more transcripts); c.53C>T, p.Ala18Val (NM_001410949.1); c.131-306C>T (NM_001363122.2); short protein forms A106V, A18V.
Identifiers: ClinVar variation 2077365 (VCV002077365.1), dbSNP rs1554853912, ClinGen allele CA372626814.

ClinVar aggregate classification (germline): Uncertain significance (1 of 4 stars; one submission).

Conditions:
Brown-Vialetto-van Laere syndrome 2. Also called: SPINOCEREBELLAR ATAXIA WITH BLINDNESS AND DEAFNESS 2; Riboflavin transporter deficiency type 2. Identifiers: Orphanet 572543, Orphanet 97229, MedGen C3553538, MONDO:0013867, OMIM 614707.

Allele frequency attached by ClinVar (database versions not stated): gnomAD exomes below 0.00001.
gnomAD v4.1: 1 of 1,613,652 alleles (0.000062%); highest among the groups gnomAD compares: Admixed American, 0.0017%; no homozygotes.

Submission:

Labcorp Genetics (formerly Invitae), Labcorp
Classification: Uncertain significance for Brown-Vialetto-van Laere syndrome 2. Last evaluated: 2022-04-02. Review status: criteria provided, single submitter. Criteria: Invitae Variant Classification Sherloc (09022015). Collection method: clinical testing. Allele origin: germline.
Comment: This sequence change replaces alanine, which is neutral and non-polar, with valine, which is neutral and non-polar, at codon 106 of the SLC52A2 protein (p.Ala106Val). This variant is present in population databases (no rsID available, gnomAD 0.003%). This variant has not been reported in the literature in individuals affected with SLC52A2-related conditions. Algorithms developed to predict the effect of missense changes on protein structure and function (SIFT, PolyPhen-2, Align-GVGD) all suggest that this variant is likely to be tolerated. Algorithms developed to predict the effect of sequence changes on RNA splicing suggest that this variant may create or strengthen a splice site. In summary, the available evidence is currently insufficient to determine the role of this variant in disease. Therefore, it has been classified as a Variant of Uncertain Significance.